The following is an entry in ClinVar:

ClinVar aggregate classification (germline): Uncertain significance (1 of 4 stars; one submission).

Allele frequency attached by ClinVar (database versions not stated): TOPMed below 0.00001.
gnomAD v4.1: 2 of 1,614,168 alleles (0.00012%); no homozygotes.

Submission:

Labcorp Genetics (formerly Invitae), Labcorp
Classification: Uncertain significance. Last evaluated: 2023-12-07. Review status: criteria provided, single submitter. Criteria: Invitae Variant Classification Sherloc (09022015). Collection method: clinical testing. Allele origin: germline.
Comment: This sequence change replaces lysine, which is basic and polar, with asparagine, which is neutral and polar, at codon 83 of the PRKCSH protein (p.Lys83Asn). This variant is present in population databases (no rsID available, gnomAD 0.003%). This variant has not been reported in the literature in individuals affected with PRKCSH-related conditions. An algorithm developed to predict the effect of missense changes on protein structure and function (PolyPhen-2) suggests that this variant is likely to be disruptive. In summary, the available evidence is currently insufficient to determine the role of this variant in disease. Therefore, it has been classified as a Variant of Uncertain Significance.

NM_001289104.2(PRKCSH):c.249G>T (p.Lys83Asn)

Gene: PRKCSH (PRKCSH beta subunit of glucosidase II; plus strand). Cytogenetic location: 19p13.2.
Variant type: single nucleotide variant.
Coding change: c.249G>T on transcript NM_001289104.2 (MANE Select); coding-DNA position 249, G replaced by T.
Protein change: p.Lys83Asn; replaces lysine 83 with asparagine.
Molecular consequence: missense variant.
Genome position (GRCh38, 1-based): chr19:11,437,928, G>T. VCF-style: chr19-11437928-G-T. GRCh37 (hg19) VCF-style: chr19-11548749-G-T.
Other names: c.249G>T, p.Lys83Asn (NM_001001329.3, NM_001289102.2, NM_001289103.2 and 3 more transcripts); short protein forms K83N.
Identifiers: ClinVar variation 2995107 (VCV002995107.3), dbSNP rs888720637, ClinGen allele CA305343885.